The following is an entry in ClinVar:

ClinVar aggregate classification (germline): Uncertain significance (1 of 4 stars; one submission).

Conditions:
Inborn genetic diseases. Identifiers: MedGen C0950123, MeSH D030342.

Submission:

Ambry Genetics
Classification: Uncertain significance for Inborn genetic diseases. Last evaluated: 2025-03-10. Review status: criteria provided, single submitter. Criteria: Ambry Variant Classification Scheme 2023. Collection method: clinical testing. Allele origin: germline.
Comment: The p.T205I variant (also known as c.614C>T), located in coding exon 1 of the SAMD9 gene, results from a C to T substitution at nucleotide position 614. The threonine at codon 205 is replaced by isoleucine, an amino acid with similar properties. This amino acid position is conserved. In addition, this alteration is predicted to be tolerated by in silico analysis. Based on the available evidence, the clinical significance of this variant remains unclear.

NM_017654.4(SAMD9):c.614C>T (p.Thr205Ile)

Gene: SAMD9 (sterile alpha motif domain containing 9; minus strand). Cytogenetic location: 7q21.2.
Variant type: single nucleotide variant.
Coding change: c.614C>T on transcript NM_017654.4 (MANE Select); coding-DNA position 614, C replaced by T.
Protein change: p.Thr205Ile; replaces threonine 205 with isoleucine.
Molecular consequence: missense variant.
Genome position (GRCh38, 1-based): chr7:93,105,484, G>A on the plus strand (C>T on the coding strand, the complement: SAMD9 is on the minus strand). VCF-style: chr7-93105484-G-A. GRCh37 (hg19) VCF-style: chr7-92734797-G-A.
Other names: c.614C>T, p.Thr205Ile (NM_001193307.2); short protein forms T205I.
Identifiers: ClinVar variation 3792166 (VCV003792166.1).